The following is an entry in ClinVar:

NM_018249.6(CDK5RAP2):c.51C>T (p.Ser17=)

Gene: CDK5RAP2 (CDK5 regulatory subunit associated protein 2; minus strand). Cytogenetic location: 9q33.2.
Variant type: single nucleotide variant.
Coding change: c.51C>T on transcript NM_018249.6 (MANE Select); coding-DNA position 51, C replaced by T.
Protein change: p.Ser17=; no amino-acid change (serine 17 retained).
Molecular consequence: synonymous variant. On other transcripts: non-coding transcript variant (5).
Genome position (GRCh38, 1-based): chr9:120,579,928, G>A on the plus strand (C>T on the coding strand, the complement: CDK5RAP2 is on the minus strand). VCF-style: chr9-120579928-G-A. GRCh37 (hg19) VCF-style: chr9-123342206-G-A.
Other names: c.51C>T, p.Ser17= (NM_001011649.3, NM_001272039.2).
Identifiers: ClinVar variation 793353 (VCV000793353.8), dbSNP rs562622614, ClinGen allele CA5214891.

ClinVar aggregate classification (germline): Benign. Review status: criteria provided, single submitter (1 of 4 stars). 2 submissions from 2 submitters: Benign (1). 1 of the submissions does not count toward it. Last evaluated 2024-11-21.

Conditions:
CDK5RAP2-related disorder. Also called: CDK5RAP2-related condition.

Allele frequency attached by ClinVar (database versions not stated): gnomAD 0.00001 and 0.00010; TOPMed 0.00003; gnomAD exomes 0.00028 and 0.00053; 1000 Genomes Project 0.00060; ExAC 0.00062; 1000 Genomes Project 30x 0.00047.
gnomAD v4.1: 417 of 1,612,722 alleles (0.026%); highest among the groups gnomAD compares: South Asian, 0.43%; 7 homozygotes.

Submissions (2):

Labcorp Genetics (formerly Invitae), Labcorp
Classification: Benign. Last evaluated: 2024-11-21. Review status: criteria provided, single submitter. Criteria: Invitae Variant Classification Sherloc (09022015). Collection method: clinical testing. Allele origin: germline.

PreventionGenetics, part of Exact Sciences
Classification: Likely benign for CDK5RAP2-related condition. Last evaluated: 2021-09-15. Review status: no assertion criteria provided. Collection method: clinical testing. Allele origin: germline. Not counted in ClinVar's aggregate classification.
Comment: This variant is classified as likely benign based on ACMG/AMP sequence variant interpretation guidelines (Richards et al. 2015 PMID: 25741868, with internal and published modifications).